The following is an entry in ClinVar:

ClinVar aggregate classification (germline): Likely benign (1 of 4 stars; one submission).

Conditions:
Arrhythmogenic right ventricular cardiomyopathy (ARVD). Also called: Arrhythmogenic right ventricular dysplasia; Cardiomyopathy, ARVC; Arrhythmogenic cardiomyopathy; Arrhythmogenic Right Ventricular Cardiomyopathy (ARVC). Identifiers: Orphanet 247, MedGen C0349788, MeSH D019571, MONDO:0016587. Disease mechanism: loss of function. Inheritance: Various modes of inheritance.

Allele frequency attached by ClinVar (database versions not stated): TOPMed 0.00002.
gnomAD v4.1: 7 of 1,613,666 alleles (0.00043%); highest among the groups gnomAD compares: Admixed American, 0.012%; no homozygotes.

Submission:

All of Us Research Program, National Institutes of Health
Classification: Likely benign for Arrhythmogenic right ventricular cardiomyopathy. Last evaluated: 2023-11-02. Review status: criteria provided, single submitter. Criteria: ACMG Guidelines, 2015. Collection method: clinical testing. Allele origin: germline. Inheritance: Autosomal dominant inheritance. Observed: 1 variant allele, 1 heterozygote.
Comment: This study involves interpretation of variants in research participants for the purpose of population health screening. Participant phenotype was not available at the time of variant classification. Additional details can be found in publication PMID: 35346344, PMCID: PMC8962531

NM_001005242.3(PKP2):c.1080C>G (p.Leu360=)

Gene: PKP2 (plakophilin 2; minus strand). Cytogenetic location: 12p11.21.
Variant type: single nucleotide variant.
Coding change: c.1080C>G on transcript NM_001005242.3 (MANE Select); coding-DNA position 1080, C replaced by G.
Protein change: p.Leu360=; no amino-acid change (leucine 360 retained).
Molecular consequence: synonymous variant.
Genome position (GRCh38, 1-based): chr12:32,869,017, G>C on the plus strand (C>G on the coding strand, the complement: PKP2 is on the minus strand). VCF-style: chr12-32869017-G-C. GRCh37 (hg19) VCF-style: chr12-33021951-G-C.
Other names: c.1080C>G, p.Leu360= (NM_001407155.1, NM_001407156.1, NM_001407157.1 and 2 more transcripts); c.753C>G, p.Leu251= (NM_001407158.1, NM_001407159.1, NM_001407160.1 and 1 more transcripts).
Identifiers: ClinVar variation 3074341 (VCV003074341.1), dbSNP rs397516984, ClinGen allele CA479174598.